The following is an entry in ClinVar:

NM_001211.6(BUB1B):c.2542C>T (p.Leu848Phe)

Gene: BUB1B (BUB1 mitotic checkpoint serine/threonine kinase B; plus strand). Cytogenetic location: 15q15.1.
Variant type: single nucleotide variant.
Coding change: c.2542C>T on transcript NM_001211.6 (MANE Select); coding-DNA position 2542, C replaced by T.
Protein change: p.Leu848Phe; replaces leucine 848 with phenylalanine.
Molecular consequence: missense variant.
Genome position (GRCh38, 1-based): chr15:40,213,338, C>T. VCF-style: chr15-40213338-C-T. GRCh37 (hg19) VCF-style: chr15-40505539-C-T.
Other names: short protein forms L848F.
Identifiers: ClinVar variation 1792846 (VCV001792846.2), dbSNP rs766745181, ClinGen allele CA7476080.

ClinVar aggregate classification (germline): Uncertain significance (1 of 4 stars; one submission).

Conditions:
Inborn genetic diseases. Identifiers: MedGen C0950123, MeSH D030342.

Allele frequency attached by ClinVar (database versions not stated): gnomAD 0.00001; gnomAD exomes 0.00001; ExAC 0.00002.
gnomAD v4.1: 7 of 1,613,704 alleles (0.00043%); highest among the groups gnomAD compares: South Asian, 0.0077%; no homozygotes.

Submission:

Ambry Genetics
Classification: Uncertain significance for Inborn genetic diseases. Last evaluated: 2021-12-25. Review status: criteria provided, single submitter. Criteria: Ambry Variant Classification Scheme 2023. Collection method: clinical testing. Allele origin: germline.
Comment: The p.L848F variant (also known as c.2542C>T), located in coding exon 20 of the BUB1B gene, results from a C to T substitution at nucleotide position 2542. The leucine at codon 848 is replaced by phenylalanine, an amino acid with highly similar properties. This amino acid position is conserved. In addition, this alteration is predicted to be tolerated by in silico analysis. Since supporting evidence is limited at this time, the clinical significance of this alteration remains unclear.